The following is an entry in ClinVar:

NM_207122.2(EXT2):c.627-2A>G

Gene: EXT2 (exostosin glycosyltransferase 2; plus strand). Cytogenetic location: 11p11.2.
Variant type: single nucleotide variant.
Coding change: c.627-2A>G on transcript NM_207122.2 (MANE Select); the canonical splice acceptor site of the intron before coding-DNA position 627, A replaced by G.
Molecular consequence: splice acceptor variant.
Genome position (GRCh38, 1-based): chr11:44,114,183, A>G. VCF-style: chr11-44114183-A-G. GRCh37 (hg19) VCF-style: chr11-44135733-A-G.
Other names: c.726-2A>G (NM_000401.3); c.627-2A>G (NM_001389628.1, NM_001389630.1, NM_001178083.3).
Identifiers: ClinVar variation 419409 (VCV000419409.13), dbSNP rs1064793854, ClinGen allele CA16619322.

ClinVar aggregate classification (germline): Pathogenic. Review status: criteria provided, multiple submitters, no conflicts (2 of 4 stars). 2 submissions from 2 submitters: Pathogenic (2). Last evaluated 2023-09-05.

Conditions:
Exostoses, multiple, type 2 (EXT2). Also called: Hereditary Multiple Osteochondromatosis, Type II; EXOSTOSES, MULTIPLE, TYPE II. Identifiers: Orphanet 321, MedGen C1851413, MONDO:0007586, OMIM 133701.

Submissions (3):

Labcorp Genetics (formerly Invitae), Labcorp
Classification: Pathogenic for Exostoses, multiple, type 2. Last evaluated: 2023-09-05. Review status: criteria provided, single submitter. Criteria: Invitae Variant Classification Sherloc (09022015). Collection method: clinical testing. Allele origin: germline.
Comment: For these reasons, this variant has been classified as Pathogenic. Algorithms developed to predict the effect of sequence changes on RNA splicing suggest that this variant may disrupt the consensus splice site. ClinVar contains an entry for this variant (Variation ID: 419409). Disruption of this splice site has been observed in individual(s) with hereditary multiple osteochondromatosis (PMID: 11668521). It has also been observed to segregate with disease in related individuals. This variant is not present in population databases (gnomAD no frequency). This sequence change affects an acceptor splice site in intron 3 of the EXT2 gene. It is expected to disrupt RNA splicing. Variants that disrupt the donor or acceptor splice site typically lead to a loss of protein function (PMID: 16199547), and loss-of-function variants in EXT2 are known to be pathogenic (PMID: 10679937, 19810120).

GeneDx
Classification: Pathogenic. Last evaluated: 2015-07-23. Review status: criteria provided, single submitter. Criteria: GeneDx Variant Classification (06012015). Collection method: clinical testing. Allele origin: germline. Affected: yes.
Comment: The c.627-2 A>G splice site variant in the EXT2 gene has been previously reported in association withherediatry multiple extoses (Gigante et al., 2001). This variant destroys the canonical splice acceptor site in intron 3, and is expected to cause abnormal gene splicing. It was not observed in approximately 6,500 individuals of European and African American ancestry in the NHLBI Exome Sequencing Project, indicating it is not a common benign variant in these populations. Therefore, we consider this variant to be pathogenic.

Dr. Peter K. Rogan Lab, Western University
No classification provided (evidence only). Condition: Ovarian serous cystadenocarcinoma. Review status: no classification provided. Collection method: in vitro. Allele origin: not applicable. Functional consequence: retained intron. Not counted in ClinVar's aggregate classification.

Literature cited by the submitters: PubMed 11668521 (cited by Labcorp Genetics (formerly Invitae), Labcorp); PubMed 16199547 (cited by Labcorp Genetics (formerly Invitae), Labcorp); PubMed 10679937 (cited by Labcorp Genetics (formerly Invitae), Labcorp); PubMed 19810120 (cited by Labcorp Genetics (formerly Invitae), Labcorp).